The following is an entry in ClinVar:

ClinVar aggregate classification (germline): Uncertain significance. Review status: criteria provided, multiple submitters, no conflicts (2 of 4 stars). 2 submissions from 2 submitters: Uncertain significance (2). Last evaluated 2024-02-15.

Conditions:
Hereditary cancer-predisposing syndrome. Also called: Neoplastic Syndromes, Hereditary; Tumor predisposition; Hereditary Cancer Syndrome; Hereditary neoplastic syndrome. Identifiers: Orphanet 140162, MedGen C0027672, MeSH D009386, MONDO:0015356.
Renal cell carcinoma. Identifiers: Orphanet 217071, MedGen C0007134, MeSH D002292, MONDO:0005086, HP:0005584.

Allele frequency attached by ClinVar (database versions not stated): gnomAD exomes below 0.00001; gnomAD 0.00001.
gnomAD v4.1: 4 of 1,613,902 alleles (0.00025%); highest among the groups gnomAD compares: Non-Finnish European, 0.00025%; no homozygotes.

Submissions (2):

Labcorp Genetics (formerly Invitae), Labcorp
Classification: Uncertain significance for Renal cell carcinoma. Last evaluated: 2024-02-15. Review status: criteria provided, single submitter. Criteria: Invitae Variant Classification Sherloc (09022015). Collection method: clinical testing. Allele origin: germline.
Comment: This sequence change replaces cysteine, which is neutral and slightly polar, with tyrosine, which is neutral and polar, at codon 101 of the MET protein (p.Cys101Tyr). This variant is not present in population databases (gnomAD no frequency). This variant has not been reported in the literature in individuals affected with MET-related conditions. ClinVar contains an entry for this variant (Variation ID: 1025314). Advanced modeling of protein sequence and biophysical properties (such as structural, functional, and spatial information, amino acid conservation, physicochemical variation, residue mobility, and thermodynamic stability) performed at Invitae indicates that this missense variant is expected to disrupt MET protein function with a positive predictive value of 80%. In summary, the available evidence is currently insufficient to determine the role of this variant in disease. Therefore, it has been classified as a Variant of Uncertain Significance.

Ambry Genetics
Classification: Uncertain significance for Hereditary cancer-predisposing syndrome. Last evaluated: 2023-03-22. Review status: criteria provided, single submitter. Criteria: Ambry Variant Classification Scheme 2023. Collection method: clinical testing. Allele origin: germline.
Comment: The p.C101Y variant (also known as c.302G>A), located in coding exon 1 of the MET gene, results from a G to A substitution at nucleotide position 302. The cysteine at codon 101 is replaced by tyrosine, an amino acid with highly dissimilar properties. This amino acid position is conserved. In addition, the in silico prediction for this alteration is inconclusive. Since supporting evidence is limited at this time, the clinical significance of this alteration remains unclear.

NM_000245.4(MET):c.302G>A (p.Cys101Tyr)

Gene: MET (MET proto-oncogene, receptor tyrosine kinase; plus strand). Cytogenetic location: 7q31.2.
Variant type: single nucleotide variant.
Coding change: c.302G>A on transcript NM_000245.4 (MANE Select); coding-DNA position 302, G replaced by A.
Protein change: p.Cys101Tyr; replaces cysteine 101 with tyrosine.
Molecular consequence: missense variant. On other transcripts: intron variant (1).
Genome position (GRCh38, 1-based): chr7:116,699,386, G>A. VCF-style: chr7-116699386-G-A. GRCh37 (hg19) VCF-style: chr7-116339440-G-A.
Other names: c.302G>A (NM_001127500.1); c.302G>A, p.Cys101Tyr (NM_001127500.3, NM_001324401.3); c.-91+26809G>A (NM_001324402.2); short protein forms C101Y.
Identifiers: ClinVar variation 1025314 (VCV001025314.10), dbSNP rs1791473684, ClinGen allele CA368968776.